The following is an entry in ClinVar:

NM_020436.5(SALL4):c.541G>A (p.Val181Met)

Gene: SALL4 (spalt like transcription factor 4; minus strand). Cytogenetic location: 20q13.2.
Variant type: single nucleotide variant.
Coding change: c.541G>A on transcript NM_020436.5 (MANE Select); coding-DNA position 541, G replaced by A.
Protein change: p.Val181Met; replaces valine 181 with methionine.
Molecular consequence: missense variant.
Genome position (GRCh38, 1-based): chr20:51,791,942, C>T on the plus strand (G>A on the coding strand, the complement: SALL4 is on the minus strand). VCF-style: chr20-51791942-C-T. GRCh37 (hg19) VCF-style: chr20-50408481-C-T.
Other names: c.541G>A, p.Val181Met (NM_001318031.2); c.541G>A (NM_020436.4); short protein forms V181M.
Identifiers: ClinVar variation 338781 (VCV000338781.18), dbSNP rs139382539, ClinGen allele CA9912439.

ClinVar aggregate classification (germline): Conflicting classifications of pathogenicity. Review status: criteria provided, conflicting classifications (1 of 4 stars). 6 submissions from 6 submitters: Uncertain significance (1); Benign (1); Likely benign (2). 2 of the submissions do not count toward it. Last evaluated 2025-11-01.

Conditions:
Duane-radial ray syndrome (DRRS). Also called: ACRORENOOCULAR SYNDROME; DR SYNDROME; DUANE ANOMALY WITH RADIAL RAY ABNORMALITIES AND DEAFNESS; Duane-Radial Ray Syndrome/Okihiro Syndrome; Duane-Radial Ray Syndrome (DRRS) / Okihiro Syndrome; Okihiro Syndrome. Identifiers: Orphanet 93293, Orphanet 959, MedGen C1623209, MONDO:0011812, OMIM 607323. Disease mechanism: gain of function.
SALL4-Related Disorders. Also called: SALL4-related condition; SALL4-related disorder. Identifiers: MedGen CN381056.

Allele frequency attached by ClinVar (database versions not stated): ESP Exome Variant Server 0.00023; ExAC 0.00043; gnomAD exomes 0.00045 and 0.00114; gnomAD 0.00052 and 0.00053; TOPMed 0.00058.
gnomAD v4.1: 1,794 of 1,614,102 alleles (0.11%); highest among the groups gnomAD compares: Non-Finnish European, 0.14%; 3 homozygotes.

Submissions (6):

CeGaT Center for Human Genetics Tuebingen
Classification: Benign. Last evaluated: 2025-11-01. Review status: criteria provided, single submitter. Criteria: CeGaT Center For Human Genetics Tuebingen Variant Classification Criteria Version 2. Collection method: clinical testing. Allele origin: germline. Affected: yes. Observed: 1 variant allele.
Comment: SALL4: PP3, BS1, BS2

Blueprint Genetics
Classification: Likely benign. Last evaluated: 2024-09-25. Review status: criteria provided, single submitter. Criteria: ACMG Guidelines, 2015. Collection method: clinical testing. Allele origin: germline.

Labcorp Genetics (formerly Invitae), Labcorp
Classification: Uncertain significance for Duane-radial ray syndrome. Last evaluated: 2020-07-22. Review status: criteria provided, single submitter. Criteria: Invitae Variant Classification Sherloc (09022015). Collection method: clinical testing. Allele origin: germline.
Comment: This sequence change replaces valine with methionine at codon 181 of the SALL4 protein (p.Val181Met). The valine residue is highly conserved and there is a small physicochemical difference between valine and methionine. This variant is present in population databases (rs139382539, ExAC 0.06%), and has an allele count higher than expected for a pathogenic variant (PMID: 28166811). This variant has been observed in individual(s) with renal coloboma syndrome (PMID: 26571382). ClinVar contains an entry for this variant (Variation ID: 338781). Algorithms developed to predict the effect of missense changes on protein structure and function are either unavailable or do not agree on the potential impact of this missense change (SIFT: "Deleterious"; PolyPhen-2: "Probably Damaging"; Align-GVGD: "Class C0"). In summary, the available evidence is currently insufficient to determine the role of this variant in disease. Therefore, it has been classified as a Variant of Uncertain Significance.

Eurofins Ntd Llc (ga)
Classification: Likely benign. Last evaluated: 2017-04-17. Review status: criteria provided, single submitter. Criteria: EGL Classification Definitions 2015. Collection method: clinical testing. Allele origin: germline. Observed: 3 variant alleles, 3 heterozygotes.

PreventionGenetics, part of Exact Sciences
Classification: Likely benign for SALL4-related condition. Last evaluated: 2022-05-11. Review status: no assertion criteria provided. Collection method: clinical testing. Allele origin: germline. Not counted in ClinVar's aggregate classification.
Comment: This variant is classified as likely benign based on ACMG/AMP sequence variant interpretation guidelines (Richards et al. 2015 PMID: 25741868, with internal and published modifications).

GeneReviews
No classification provided. Condition: Duane-radial ray syndrome. Review status: no classification provided. Collection method: literature only. Allele origin: germline. Not counted in ClinVar's aggregate classification.

Literature cited by the submitters: PubMed 28166811 (cited by Labcorp Genetics (formerly Invitae), Labcorp); PubMed 26571382 (cited by Labcorp Genetics (formerly Invitae), Labcorp); NCBI Bookshelf NBK1413 (cited by GeneReviews).